The following is an entry in ClinVar:

NM_178452.6(DNAAF1):c.1083C>T (p.Gly361=)

Gene: DNAAF1 (dynein axonemal assembly factor 1; plus strand). Cytogenetic location: 16q24.1.
Variant type: single nucleotide variant.
Coding change: c.1083C>T on transcript NM_178452.6 (MANE Select); coding-DNA position 1083, C replaced by T.
Protein change: p.Gly361=; no amino-acid change (glycine 361 retained).
Molecular consequence: synonymous variant.
Genome position (GRCh38, 1-based): chr16:84,169,911, C>T. VCF-style: chr16-84169911-C-T. GRCh37 (hg19) VCF-style: chr16-84203517-C-T.
Other names: c.375C>T, p.Gly125= (NM_001318756.1).
Identifiers: ClinVar variation 320771 (VCV000320771.49), dbSNP rs200487337, ClinGen allele CA8202762.

ClinVar aggregate classification (germline): Conflicting classifications of pathogenicity. Review status: criteria provided, conflicting classifications (1 of 4 stars). 4 submissions from 4 submitters: Uncertain significance (2); Likely benign (2). Last evaluated 2025-09-10.

Conditions:
Primary ciliary dyskinesia. Also called: Ciliary dyskinesia. Identifiers: Orphanet 244, MedGen C0008780, MONDO:0016575, HP:0012265.
Primary ciliary dyskinesia 13. Also called: CILIARY DYSKINESIA, PRIMARY, 13, WITH OR WITHOUT SITUS INVERSUS. Identifiers: Orphanet 244, MedGen C2750790, MONDO:0013174, OMIM 613193.

Allele frequency attached by ClinVar (database versions not stated): gnomAD exomes 0.00018 and 0.00032; TOPMed 0.00020; gnomAD 0.00022; ESP Exome Variant Server 0.00015; ExAC 0.00016.
gnomAD v4.1: 482 of 1,614,130 alleles (0.03%); highest among the groups gnomAD compares: Non-Finnish European, 0.04%; no homozygotes.

Submissions (5):

Labcorp Genetics (formerly Invitae), Labcorp
Classification: Likely benign for Primary ciliary dyskinesia. Last evaluated: 2025-09-10. Review status: criteria provided, single submitter. Criteria: Invitae Variant Classification Sherloc (09022015). Collection method: clinical testing. Allele origin: germline.

Ambry Genetics
Classification: Uncertain significance for Primary ciliary dyskinesia. Last evaluated: 2022-09-01. Review status: criteria provided, single submitter. Criteria: Ambry Variant Classification Scheme 2023. Collection method: clinical testing. Allele origin: germline.
Comment: The c.1083C>T variant (also known as p.G361G), located in coding exon 8 of the DNAAF1 gene, results from a C to T substitution at nucleotide position 1083. This nucleotide substitution does not change the glycine at codon 361. This nucleotide position is poorly conserved in available vertebrate species. In silico splice site analysis for this alteration is inconclusive. Since supporting evidence is limited at this time, the clinical significance of this alteration remains unclear.

CeGaT Center for Human Genetics Tuebingen
Classification: Likely benign. Last evaluated: 2022-07-01. Review status: criteria provided, single submitter. Criteria: CeGaT Center For Human Genetics Tuebingen Variant Classification Criteria Version 2. Collection method: clinical testing. Allele origin: germline. Affected: yes. Observed: 1 variant allele.
Comment: DNAAF1: BP4, BP7

Illumina Laboratory Services, Illumina
Classification: Uncertain significance for Primary ciliary dyskinesia 13. Last evaluated: 2018-01-13. Review status: criteria provided, single submitter. Criteria: ICSL Variant Classification Criteria 13 December 2019. Collection method: clinical testing. Allele origin: germline.

Dr. Peter K. Rogan Lab, Western University
No classification provided (evidence only). Condition: Uterine corpus endometrial carcinoma. Review status: no classification provided. Collection method: in vitro. Allele origin: not applicable. Functional consequence: retained intron. Not counted in ClinVar's aggregate classification.